The following is an entry in ClinVar:

ClinVar aggregate classification (germline): Likely benign (1 of 4 stars; one submission).

Allele frequency attached by ClinVar (database versions not stated): gnomAD exomes below 0.00001.

Submission:

GeneDx
Classification: Likely benign. Last evaluated: 2017-09-19. Review status: criteria provided, single submitter. Criteria: GeneDx Variant Classification (06012015). Collection method: clinical testing. Allele origin: germline. Affected: yes.
Comment: This variant is considered likely benign or benign based on one or more of the following criteria: it is a conservative change, it occurs at a poorly conserved position in the protein, it is predicted to be benign by multiple in silico algorithms, and/or has population frequency not consistent with disease.

NM_014317.3(PDSS1):c.-24delT

Gene: PDSS1 (decaprenyl diphosphate synthase subunit 1; plus strand). Cytogenetic location: 10p12.1.
Variant type: Deletion.
Coding change: c.-24delT on transcript NM_014317.3; 24 bases upstream of the start codon, one base deleted (T).
Genome position (GRCh38, 1-based): chr10:26,697,688, T deleted. VCF-style (leftmost placement, unchanged base first): chr10-26697687-CT-C. GRCh37 (hg19) VCF-style: chr10-26986616-CT-C.
Identifiers: ClinVar variation 511819 (VCV000511819.3), dbSNP rs1554792017, ClinGen allele CA658797408.